The following is an entry in ClinVar:

ClinVar aggregate classification (germline): Uncertain significance. Review status: criteria provided, multiple submitters, no conflicts (2 of 4 stars). 3 submissions from 3 submitters: Uncertain significance (3). Last evaluated 2025-07-23.

Conditions:
Symmetrical dyschromatosis of extremities (DSH). Also called: RETICULATE ACROPIGMENTATION OF DOHI; SYMMETRIC DYSCHROMATOSIS OF THE EXTREMITIES; Dyschromatosis symmetrica hereditaria; DYSCHROMATOSIS SYMMETRICA HEREDITARIA 1. Identifiers: Orphanet 41, MedGen C0406775, MONDO:0007483, OMIM 127400.
Aicardi-Goutieres syndrome 6 (AGS6). Identifiers: Orphanet 51, MedGen C3539013, MONDO:0014007, OMIM 615010.

Allele frequency attached by ClinVar (database versions not stated): ExAC 0.00001; gnomAD exomes 0.00001.
gnomAD v4.1: 20 of 1,614,196 alleles (0.0012%); highest among the groups gnomAD compares: South Asian, 0.0022%; no homozygotes.

Submissions (3):

Labcorp Genetics (formerly Invitae), Labcorp
Classification: Uncertain significance for Aicardi-Goutieres syndrome 6; Symmetrical dyschromatosis of extremities. Last evaluated: 2025-07-23. Review status: criteria provided, single submitter. Criteria: Invitae Variant Classification Sherloc (09022015). Collection method: clinical testing. Allele origin: germline.
Comment: This sequence change replaces arginine, which is basic and polar, with histidine, which is basic and polar, at codon 1032 of the ADAR protein (p.Arg1032His). This variant is present in population databases (rs773129591, gnomAD 0.003%). This variant has not been reported in the literature in individuals affected with ADAR-related conditions. ClinVar contains an entry for this variant (Variation ID: 387356). Invitae Evidence Modeling of protein sequence and biophysical properties (such as structural, functional, and spatial information, amino acid conservation, physicochemical variation, residue mobility, and thermodynamic stability) has been performed for this missense variant. However, the output from this modeling did not meet the statistical confidence thresholds required to predict the impact of this variant on ADAR protein function. In summary, the available evidence is currently insufficient to determine the role of this variant in disease. Therefore, it has been classified as a Variant of Uncertain Significance.

Genome-Nilou Lab
Classification: Uncertain significance for Aicardi-Goutieres syndrome 6. Last evaluated: 2023-04-11. Review status: criteria provided, single submitter. Criteria: ACMG Guidelines, 2015. Collection method: clinical testing. Allele origin: germline. Affected: no.

GeneDx
Classification: Uncertain significance. Last evaluated: 2016-06-27. Review status: criteria provided, single submitter. Criteria: GeneDx Variant Classification (06012015). Collection method: clinical testing. Allele origin: germline. Affected: yes.
Comment: The R1032H variant in the ADAR gene has not been reported previously as a pathogenic variant, nor as a benign variant, to our knowledge. The R1032H variant was not observed in approximately 6,500 individuals of European and African American ancestry in the NHLBI Exome Sequencing Project, indicating it is not a common benign variant in these populations. The R1032H variant is a conservative amino acid substitution, which is not likely to impact secondary protein structure as these residues share similar properties. This substitution occurs at a position that is conserved across species. In silico analysis is inconsistent in its predictions as to whether or not the variant is damaging to the protein structure/function. A missense variant in a nearby residue, M1034V, has been reported in the Human Gene Mutation Database in association with Aicardi-Goutieres syndrome and missense variants in nearby residues, M1034V, C1036Y, and C1036S have been reported in association with Dyschromatosis symmetrica hereditaria (Stenson et al., 2014), supporting the functional importance of this region of the protein.

NM_001111.5(ADAR):c.3095G>A (p.Arg1032His)

Gene: ADAR (adenosine deaminase RNA specific; minus strand). Cytogenetic location: 1q21.3.
Variant type: single nucleotide variant.
Coding change: c.3095G>A on transcript NM_001111.5 (MANE Select); coding-DNA position 3095, G replaced by A.
Protein change: p.Arg1032His; replaces arginine 1032 with histidine.
Molecular consequence: missense variant.
Genome position (GRCh38, 1-based): chr1:154,586,288, C>T on the plus strand (G>A on the coding strand, the complement: ADAR is on the minus strand). VCF-style: chr1-154586288-C-T. GRCh37 (hg19) VCF-style: chr1-154558764-C-T.
Other names: c.3095G>A, p.Arg1032His (LRG_1212t1); c.2210G>A, p.Arg737His (NM_001025107.3, NM_001193495.2, NM_001365046.1 and 2 more transcripts); c.3122G>A, p.Arg1041His (NM_001365045.1); c.2132G>A, p.Arg711His (NM_001365049.1); c.3017G>A, p.Arg1006His (NM_015840.4); c.2960G>A, p.Arg987His (NM_015841.4); short protein forms R1032H, R1006H, R1041H, R737H, R711H, R987H.
Identifiers: ClinVar variation 387356 (VCV000387356.12), dbSNP rs773129591, ClinGen allele CA1131052.